The following is an entry in ClinVar:

ClinVar aggregate classification (germline): Likely benign (1 of 4 stars; one submission).

Submission:

CeGaT Center for Human Genetics Tuebingen
Classification: Likely benign. Last evaluated: 2024-11-01. Review status: criteria provided, single submitter. Criteria: CeGaT Center For Human Genetics Tuebingen Variant Classification Criteria Version 2. Collection method: clinical testing. Allele origin: germline. Affected: yes. Observed: 1 variant allele.
Comment: PDE10A: PM2:Supporting, BP4, BP7

NM_001385079.1(PDE10A):c.165C>A (p.Gly55=)

Gene: PDE10A (phosphodiesterase 10A; minus strand). Cytogenetic location: 6q27.
Variant type: single nucleotide variant.
Coding change: c.165C>A on transcript NM_001385079.1 (MANE Select); coding-DNA position 165, C replaced by A.
Protein change: p.Gly55=; no amino-acid change (glycine 55 retained).
Molecular consequence: synonymous variant.
Genome position (GRCh38, 1-based): chr6:165,662,647, G>T on the plus strand (C>A on the coding strand, the complement: PDE10A is on the minus strand). VCF-style: chr6-165662647-G-T. GRCh37 (hg19) VCF-style: chr6-166076135-G-T.
Identifiers: ClinVar variation 3389462 (VCV003389462.14).
Genomic context (GRCh38, chr6:165,662,647, plus strand): 5'-GGGGCGGCCTGCGGAGGAGAGGGGCGGGCGCGGGGGCGCGGCGCGCTCCGCCCGGCCACG[G>T]CCAGGCCACTCGGGGGCCGGGCCCGGGCCCGCCGCGCTCCCCCCGCCGGCCGCGCTGAGC-3'
Protein context (NP_001372008.1, residues 45-65): AGPGPAPEWP[Gly55=]RGRAERAAPP